The following is an entry in ClinVar:

NM_001163809.2(WDR81):c.1892del (p.Asn631fs)

Gene: WDR81 (WD repeat domain 81; plus strand). Cytogenetic location: 17p13.3.
Variant type: Deletion.
Coding change: c.1892del on transcript NM_001163809.2 (MANE Select); coding-DNA position 1892, one base deleted (A; older notation c.1892delA).
Protein change: p.Asn631fs; shifts the reading frame from asparagine 631.
Molecular consequence: frameshift variant. On other transcripts: intron variant (3).
Genome position (GRCh38, 1-based): chr17:1,726,851, A deleted; the last of 3 consecutive A bases (chr17:1,726,849-1,726,851); deleting any one gives the same sequence. VCF-style (leftmost placement, unchanged base first): chr17-1726848-CA-C. GRCh37 (hg19) VCF-style: chr17-1630142-CA-C.
Other names: c.-123-1139del (NM_152348.4); c.59-3529del (NM_001163673.2); c.-15+2065del (NM_001163811.2); short protein forms N631fs.
Identifiers: ClinVar variation 5005704 (VCV005005704.2).
Genomic context (GRCh38, chr17:1,726,848, plus strand): 5'-TCCAGACCATCCAGGAGACCACAGGCCGGGAGGACTTCACGGAAAACCCGGGACAGCTTC[CA>C]AATGGAGTGGGCCGGCCAGTTTTAGAGGCCACTCCCTGTGAGGCTAGCTGGACCAGAGAC-3'

ClinVar aggregate classification (germline): Likely pathogenic (1 of 4 stars; one submission).

Conditions:
Hydrocephalus, congenital, 3, with brain anomalies. Also called: HYDROCEPHALUS, NONSYNDROMIC, AUTOSOMAL RECESSIVE 3. Identifiers: MedGen C4747885, MONDO:0054794, OMIM 617967.
Cerebellar ataxia, impaired intellectual development, and dysequilibrium syndrome 2. Also called: CEREBELLAR ATAXIA AND MENTAL RETARDATION WITH OR WITHOUT QUADRUPEDAL LOCOMOTION 2; Cerebellar ataxia, intellectual disability, and dysequilibrium syndrome 2; CEREBELLAR ATAXIA, MENTAL RETARDATION, AND DYSEQUILIBRIUM SYNDROME 2. Identifiers: Orphanet 1766, MedGen C2750234, MONDO:0012430, OMIM 610185.

Submission:

Juno Genomics, Hangzhou Juno Genomics, Inc
Classification: Likely pathogenic for Cerebellar ataxia, impaired intellectual development, and dysequilibrium syndrome 2; Hydrocephalus, congenital, 3, with brain anomalies. Review status: criteria provided, single submitter. Criteria: ACMG Guidelines, 2015. Collection method: clinical testing. Allele origin: germline.
Comment: Null variant in a gene where loss of function (LOF) is a known mechanism of disease.;Absent from controls (or at extremely low frequency if recessive) in Genome Aggregation Database.